The following is an entry in ClinVar:

NM_001304438.2(TMEM132E):c.1735C>T (p.Arg579Trp)

Gene: TMEM132E (transmembrane protein 132E; plus strand). Cytogenetic location: 17q12.
Variant type: single nucleotide variant.
Coding change: c.1735C>T on transcript NM_001304438.2 (MANE Select); coding-DNA position 1735, C replaced by T.
Protein change: p.Arg579Trp; replaces arginine 579 with tryptophan.
Molecular consequence: missense variant.
Genome position (GRCh38, 1-based): chr17:34,634,845, C>T. VCF-style: chr17-34634845-C-T. GRCh37 (hg19) VCF-style: chr17-32961864-C-T.
Other names: short protein forms R579W.
Identifiers: ClinVar variation 2421507 (VCV002421507.4), dbSNP rs779146464, ClinGen allele CA8496792.

ClinVar aggregate classification (germline): Uncertain significance (1 of 4 stars; one submission).

Allele frequency attached by ClinVar (database versions not stated): ExAC 0.00002; gnomAD exomes 0.00004; TOPMed 0.00006.
gnomAD v4.1: 62 of 1,613,806 alleles (0.0038%); highest among the groups gnomAD compares: African/African-American, 0.0093%; no homozygotes.

Submission:

Labcorp Genetics (formerly Invitae), Labcorp
Classification: Uncertain significance. Last evaluated: 2022-06-24. Review status: criteria provided, single submitter. Criteria: Invitae Variant Classification Sherloc (09022015). Collection method: clinical testing. Allele origin: germline.
Comment: In summary, the available evidence is currently insufficient to determine the role of this variant in disease. Therefore, it has been classified as a Variant of Uncertain Significance. Algorithms developed to predict the effect of missense changes on protein structure and function are either unavailable or do not agree on the potential impact of this missense change (SIFT: "Deleterious"; PolyPhen-2: "Not Available"; Align-GVGD: "Class C0"). This variant has not been reported in the literature in individuals affected with TMEM132E-related conditions. This variant is present in population databases (rs779146464, gnomAD 0.008%). This sequence change replaces arginine, which is basic and polar, with tryptophan, which is neutral and slightly polar, at codon 579 of the TMEM132E protein (p.Arg579Trp).